The following is an entry in ClinVar:

ClinVar aggregate classification (germline): Uncertain significance (1 of 4 stars; one submission).

Conditions:
Primary ciliary dyskinesia. Also called: Ciliary dyskinesia. Identifiers: Orphanet 244, MedGen C0008780, MONDO:0016575, HP:0012265.

Allele frequency attached by ClinVar (database versions not stated): ExAC 0.00009.
gnomAD v4.1: 22 of 1,530,998 alleles (0.0014%); highest among the groups gnomAD compares: South Asian, 0.018%; no homozygotes.

Submission:

Labcorp Genetics (formerly Invitae), Labcorp
Classification: Uncertain significance for Primary ciliary dyskinesia. Last evaluated: 2024-02-24. Review status: criteria provided, single submitter. Criteria: Invitae Variant Classification Sherloc (09022015). Collection method: clinical testing. Allele origin: germline.
Comment: This sequence change falls in intron 5 of the MCIDAS gene. It does not directly change the encoded amino acid sequence of the MCIDAS protein. This variant is present in population databases (rs756023466, gnomAD 0.01%). This variant has not been reported in the literature in individuals affected with MCIDAS-related conditions. ClinVar contains an entry for this variant (Variation ID: 2075930). Algorithms developed to predict the effect of sequence changes on RNA splicing suggest that this variant may create or strengthen a splice site. In summary, the available evidence is currently insufficient to determine the role of this variant in disease. Therefore, it has been classified as a Variant of Uncertain Significance.

NM_001190787.3(MCIDAS):c.607-13T>G

Gene: MCIDAS (multiciliate differentiation and DNA synthesis associated cell cycle protein; minus strand). Cytogenetic location: 5q11.2.
Variant type: single nucleotide variant.
Coding change: c.607-13T>G on transcript NM_001190787.3 (MANE Select); 13 bases into the intron before coding-DNA position 607, T replaced by G.
Molecular consequence: intron variant.
Genome position (GRCh38, 1-based): chr5:55,221,139, A>C on the plus strand (T>G on the coding strand, the complement: MCIDAS is on the minus strand). VCF-style: chr5-55221139-A-C. GRCh37 (hg19) VCF-style: chr5-54516967-A-C.
Identifiers: ClinVar variation 2075930 (VCV002075930.4), dbSNP rs756023466, ClinGen allele CA3266564.
Genomic context (GRCh38, chr5:55,221,139, plus strand): 5'-CTTGAGCGAGGCGATCTCCTCCTGTTTCTGGGTCAATGTCACGTGCAGCTGCAGGAGGAG[A>C]CCCAAACATTCAGGGGTAGGTACTGTGCTGGGTCTCGTCTGCATATCTGGCATGAATCAA-3'